The following is an entry in ClinVar:

ClinVar aggregate classification (germline): Uncertain significance. Review status: criteria provided, single submitter (1 of 4 stars). 2 submissions from 2 submitters: Uncertain significance (1). 1 of the submissions does not count toward it. Last evaluated 2024-12-31.

Conditions:
MYH3-related disorder. Also called: MYH3-related condition; MYH3-Related Disorders. Identifiers: MedGen CN239329.

Submissions (2):

Labcorp Genetics (formerly Invitae), Labcorp
Classification: Uncertain significance. Last evaluated: 2024-12-31. Review status: criteria provided, single submitter. Criteria: Invitae Variant Classification Sherloc (09022015). Collection method: clinical testing. Allele origin: germline.
Comment: This variant, c.4771_4773del, results in the deletion of 1 amino acid(s) of the MYH3 protein (p.Tyr1591del), but otherwise preserves the integrity of the reading frame. This variant is not present in population databases (gnomAD no frequency). This variant has not been reported in the literature in individuals affected with MYH3-related conditions. ClinVar contains an entry for this variant (Variation ID: 3029417). Experimental studies and prediction algorithms are not available or were not evaluated, and the functional significance of this variant is currently unknown. In summary, the available evidence is currently insufficient to determine the role of this variant in disease. Therefore, it has been classified as a Variant of Uncertain Significance.

PreventionGenetics, part of Exact Sciences
Classification: Uncertain significance for MYH3-related condition. Last evaluated: 2024-01-05. Review status: no assertion criteria provided. Collection method: clinical testing. Allele origin: germline. Not counted in ClinVar's aggregate classification.
Comment: The MYH3 c.4771_4773delTAC variant is predicted to result in an in-frame deletion (p.Tyr1591del). To our knowledge, this variant has not been reported in the literature or in a large population database, indicating this variant is rare. At this time, the clinical significance of this variant is uncertain due to the absence of conclusive functional and genetic evidence.

NM_002470.4(MYH3):c.4771_4773del (p.Tyr1591del)

Gene: MYH3 (myosin heavy chain 3; minus strand). Cytogenetic location: 17p13.1.
Variant type: Deletion.
Coding change: c.4771_4773del on transcript NM_002470.4 (MANE Select); coding-DNA positions 4771 to 4773, 3 bases deleted (TAC; older notation c.4771_4773delTAC).
Protein change: p.Tyr1591del; deletes tyrosine 1591.
Genome position (GRCh38, 1-based): chr17:10,632,659-10,632,661, GTA deleted on the plus strand (TAC on the coding strand, the reverse complement: MYH3 is on the minus strand); deleting any 3 consecutive bases within chr17:10,632,659-10,632,663 gives the same sequence; the c. name uses the placement nearest the transcript's 3' end. VCF-style (leftmost placement, unchanged base first): chr17-10632658-GGTA-G. GRCh37 (hg19) VCF-style: chr17-10535975-GGTA-G.
Other names: short protein forms Y1591del.
Identifiers: ClinVar variation 3029417 (VCV003029417.4), dbSNP rs770163453, ClinGen allele CA287780760.